The following is an entry in ClinVar:

NM_000051.4(ATM):c.3850A>G (p.Thr1284Ala)

Gene: ATM (ATM serine/threonine kinase; plus strand). Cytogenetic location: 11q22.3.
Variant type: single nucleotide variant.
Coding change: c.3850A>G on transcript NM_000051.4 (MANE Select); coding-DNA position 3850, A replaced by G.
Protein change: p.Thr1284Ala; replaces threonine 1284 with alanine.
Molecular consequence: missense variant.
Genome position (GRCh38, 1-based): chr11:108,284,330, A>G. VCF-style: chr11-108284330-A-G. GRCh37 (hg19) VCF-style: chr11-108155057-A-G.
Other names: c.3850A>G, p.Thr1284Ala (NM_001351834.2); short protein forms T1284A.
Identifiers: ClinVar variation 1361713 (VCV001361713.8), dbSNP rs879175186, ClinGen allele CA382525175.
Genomic context (GRCh38, chr11:108,284,330, plus strand): 5'-CATTTTGATGAGGTGAAGTCCATTGCTAATCAGATTCAAGAGGACTGGAAAAGTCTTCTA[A>G]CAGACTGCTTTCCAAAGATTCTTGTAAATATTCTTCCTTATTTTGCCTATGAGGGTACCA-3'
Protein context (NP_000042.3, residues 1274-1294): QIQEDWKSLL[Thr1284Ala]DCFPKILVNI

ClinVar aggregate classification (germline): Uncertain significance (1 of 4 stars; one submission).

Conditions:
Ataxia-telangiectasia syndrome (AT). Also called: ATAXIA-TELANGIECTASIA, COMPLEMENTATION GROUP A; ATAXIA-TELANGIECTASIA, FRESNO VARIANT; Ataxia-telangiectasia; Ataxia-telangiectasia, complementation group D; Ataxia-telangiectasia, complementation group E; Ataxia telangiectasia (A-T). Identifiers: Orphanet 100, MedGen C0004135, MONDO:0008840, OMIM 208900.

Submission:

Labcorp Genetics (formerly Invitae), Labcorp
Classification: Uncertain significance for Ataxia-telangiectasia syndrome. Last evaluated: 2023-07-17. Review status: criteria provided, single submitter. Criteria: Invitae Variant Classification Sherloc (09022015). Collection method: clinical testing. Allele origin: germline.
Comment: In summary, the available evidence is currently insufficient to determine the role of this variant in disease. Therefore, it has been classified as a Variant of Uncertain Significance. Algorithms developed to predict the effect of missense changes on protein structure and function output the following: SIFT: "Not Available"; PolyPhen-2: "Benign"; Align-GVGD: "Not Available". The alanine amino acid residue is found in multiple mammalian species, which suggests that this missense change does not adversely affect protein function. ClinVar contains an entry for this variant (Variation ID: 1361713). This variant has not been reported in the literature in individuals affected with ATM-related conditions. This variant is not present in population databases (gnomAD no frequency). This sequence change replaces threonine, which is neutral and polar, with alanine, which is neutral and non-polar, at codon 1284 of the ATM protein (p.Thr1284Ala).